The following is an entry in ClinVar:

ClinVar aggregate classification (germline): Uncertain significance. Review status: criteria provided, multiple submitters, no conflicts (2 of 4 stars). 2 submissions from 2 submitters: Uncertain significance (2). Last evaluated 2024-07-10.

Conditions:
Inborn genetic diseases. Identifiers: MedGen C0950123, MeSH D030342.

Allele frequency attached by ClinVar (database versions not stated): gnomAD 0.00003; TOPMed 0.00003; ExAC 0.00004.
gnomAD v4.1: 59 of 1,610,396 alleles (0.0037%); highest among the groups gnomAD compares: Middle Eastern, 0.05%; no homozygotes.

Submissions (2):

Ambry Genetics
Classification: Uncertain significance for Inborn genetic diseases. Last evaluated: 2024-07-10. Review status: criteria provided, single submitter. Criteria: Ambry Variant Classification Scheme 2023. Collection method: clinical testing. Allele origin: germline.

Labcorp Genetics (formerly Invitae), Labcorp
Classification: Uncertain significance. Last evaluated: 2022-10-17. Review status: criteria provided, single submitter. Criteria: Invitae Variant Classification Sherloc (09022015). Collection method: clinical testing. Allele origin: germline.
Comment: This sequence change replaces aspartic acid, which is acidic and polar, with asparagine, which is neutral and polar, at codon 264 of the PEPD protein (p.Asp264Asn). This variant is present in population databases (rs760037246, gnomAD 0.008%). This variant has not been reported in the literature in individuals affected with PEPD-related conditions. Advanced modeling of protein sequence and biophysical properties (such as structural, functional, and spatial information, amino acid conservation, physicochemical variation, residue mobility, and thermodynamic stability) performed at Invitae indicates that this missense variant is not expected to disrupt PEPD protein function. In summary, the available evidence is currently insufficient to determine the role of this variant in disease. Therefore, it has been classified as a Variant of Uncertain Significance.

NM_000285.4(PEPD):c.790G>A (p.Asp264Asn)

Gene: PEPD (peptidase D; minus strand). Cytogenetic location: 19q13.11.
Variant type: single nucleotide variant.
Coding change: c.790G>A on transcript NM_000285.4 (MANE Select); coding-DNA position 790, G replaced by A.
Protein change: p.Asp264Asn; replaces aspartic acid 264 with asparagine.
Molecular consequence: missense variant.
Genome position (GRCh38, 1-based): chr19:33,411,700, C>T on the plus strand (G>A on the coding strand, the complement: PEPD is on the minus strand). VCF-style: chr19-33411700-C-T. GRCh37 (hg19) VCF-style: chr19-33902606-C-T.
Other names: c.667G>A, p.Asp223Asn (NM_001166056.2); c.598G>A, p.Asp200Asn (NM_001166057.2); c.790G>A (NM_000285.3); short protein forms D200N, D264N, D223N.
Identifiers: ClinVar variation 2043526 (VCV002043526.2), dbSNP rs760037246, ClinGen allele CA9364133.